The following is an entry in ClinVar:

ClinVar aggregate classification (germline): Conflicting classifications of pathogenicity. Review status: criteria provided, conflicting classifications (1 of 4 stars). 3 submissions from 3 submitters: Uncertain significance (1); Likely benign (2). Last evaluated 2025-07-13.

Conditions:
Hereditary cancer-predisposing syndrome. Also called: Tumor predisposition; Neoplastic Syndromes, Hereditary; Hereditary Cancer Syndrome; Hereditary neoplastic syndrome. Identifiers: Orphanet 140162, MedGen C0027672, MeSH D009386, MONDO:0015356.
Oligodontia-cancer predisposition syndrome. Also called: TOOTH AGENESIS-COLORECTAL CANCER SYNDROME. Identifiers: Orphanet 300576, MedGen C1837750, MONDO:0012075, OMIM 608615. Disease mechanism: loss of function.

gnomAD v4.1: 2 of 1,611,646 alleles (0.00012%); highest among the groups gnomAD compares: Non-Finnish European, 0.00017%; no homozygotes.

Submissions (3):

Labcorp Genetics (formerly Invitae), Labcorp
Classification: Likely benign for Oligodontia-cancer predisposition syndrome. Last evaluated: 2025-07-13. Review status: criteria provided, single submitter. Criteria: Invitae Variant Classification Sherloc (09022015). Collection method: clinical testing. Allele origin: germline.

Ambry Genetics
Classification: Likely benign for Hereditary cancer-predisposing syndrome. Last evaluated: 2024-03-07. Review status: criteria provided, single submitter. Criteria: Ambry Variant Classification Scheme 2023. Collection method: clinical testing. Allele origin: germline.

Sema4
Classification: Uncertain significance for Hereditary cancer-predisposing syndrome. Last evaluated: 2021-11-15. Review status: criteria provided, single submitter. Criteria: Sema4 Curation Guidelines. Collection method: curation. Allele origin: germline.
Comment: The AXIN2 c.957-4T>G variant has not been reported in the literature to our knowledge. It was not observed in the large and broad cohorts of the Genome Aggregation Database (PMID: 32461654). This variant has not been reported in ClinVar. In silico tools suggest the variant does not disrupt normal splicing, though these predictions have not been confirmed by functional studies. The evidence is insufficient to meet ACMG/AMP criteria for classifying the variant as benign or pathogenic. Thus, the clinical significance of this variant is currently uncertain.

NM_004655.4(AXIN2):c.957-4T>G

Gene: AXIN2 (axin 2; minus strand). Cytogenetic location: 17q24.1.
Variant type: single nucleotide variant.
Coding change: c.957-4T>G on transcript NM_004655.4 (MANE Select); 4 bases into the intron before coding-DNA position 957, T replaced by G.
Molecular consequence: intron variant.
Genome position (GRCh38, 1-based): chr17:65,541,561, A>C on the plus strand (T>G on the coding strand, the complement: AXIN2 is on the minus strand). VCF-style: chr17-65541561-A-C. GRCh37 (hg19) VCF-style: chr17-63537679-A-C.
Other names: c.957-4T>G (NM_001363813.1).
Identifiers: ClinVar variation 1582160 (VCV001582160.11), dbSNP rs2144500999, ClinGen allele CA2573154718.